The following is an entry in ClinVar:

NM_001283009.2(RTEL1):c.2779G>A (p.Asp927Asn)

Genes: RTEL1 (regulator of telomere elongation helicase 1; plus strand), RTEL1-TNFRSF6B (RTEL1-TNFRSF6B readthrough (NMD candidate); plus strand). Cytogenetic location: 20q13.33.
Variant type: single nucleotide variant.
Coding change: c.2779G>A on transcript NM_001283009.2 (MANE Select); coding-DNA position 2779, G replaced by A.
Protein change: p.Asp927Asn; replaces aspartic acid 927 with asparagine.
Molecular consequence: missense variant. On other transcripts: non-coding transcript variant (1).
Genome position (GRCh38, 1-based): chr20:63,692,931, G>A. VCF-style: chr20-63692931-G-A. GRCh37 (hg19) VCF-style: chr20-62324284-G-A.
Other names: c.2110G>A, p.Asp704Asn (NM_001283010.1); c.2779G>A, p.Asp927Asn (NM_016434.4); c.2851G>A, p.Asp951Asn (NM_032957.5); short protein forms D704N, D927N, D951N.
Identifiers: ClinVar variation 2652558 (VCV002652558.27), dbSNP rs759088968, ClinGen allele CA9965532.

ClinVar aggregate classification (germline): Uncertain significance. Review status: criteria provided, multiple submitters, no conflicts (2 of 4 stars). 2 submissions from 2 submitters: Uncertain significance (2). Last evaluated 2022-12-08.

Conditions:
Dyskeratosis congenita, autosomal recessive 5 (DKCB5). Identifiers: MedGen C3554656, MONDO:0014076, OMIM 615190.
Pulmonary fibrosis and/or bone marrow failure, Telomere-related, 3. Also called: PULMONARY FIBROSIS AND/OR BONE MARROW FAILURE SYNDROME, TELOMERE-RELATED, 3. Identifiers: Orphanet 2032, MedGen C4225346, MONDO:0014613, OMIM 616373.

Allele frequency attached by ClinVar (database versions not stated): ExAC 0.00002.

Submissions (2):

Labcorp Genetics (formerly Invitae), Labcorp
Classification: Uncertain significance for Dyskeratosis congenita, autosomal recessive 5; Pulmonary fibrosis and/or bone marrow failure, Telomere-related, 3. Last evaluated: 2022-12-08. Review status: criteria provided, single submitter. Criteria: Invitae Variant Classification Sherloc (09022015). Collection method: clinical testing. Allele origin: germline.
Comment: In summary, the available evidence is currently insufficient to determine the role of this variant in disease. Therefore, it has been classified as a Variant of Uncertain Significance. Algorithms developed to predict the effect of missense changes on protein structure and function output the following: SIFT: "Tolerated"; PolyPhen-2: "Benign"; Align-GVGD: "Class C0". The asparagine amino acid residue is found in multiple mammalian species, which suggests that this missense change does not adversely affect protein function. This variant has not been reported in the literature in individuals affected with RTEL1-related conditions. This variant is present in population databases (rs759088968, gnomAD 0.002%). This sequence change replaces aspartic acid, which is acidic and polar, with asparagine, which is neutral and polar, at codon 927 of the RTEL1 protein (p.Asp927Asn).

CeGaT Center for Human Genetics Tuebingen
Classification: Uncertain significance. Last evaluated: 2022-07-01. Review status: criteria provided, single submitter. Criteria: CeGaT Center For Human Genetics Tuebingen Variant Classification Criteria Version 2. Collection method: clinical testing. Allele origin: germline. Affected: yes. Observed: 1 variant allele.